The following is an entry in ClinVar:

NM_001379500.1(COL18A1):c.3310_3311delinsTG (p.Pro1104Trp)

Genes: COL18A1 (collagen type XVIII alpha 1 chain; plus strand), SLC19A1 (solute carrier family 19 member 1; minus strand). Cytogenetic location: 21q22.3.
Variant type: Indel.
Coding change: c.3310_3311delinsTG on transcript NM_001379500.1 (MANE Select); coding-DNA positions 3310 to 3311, CC replaced by TG.
Protein change: p.Pro1104Trp; replaces proline 1104 with tryptophan.
Molecular consequence: missense variant.
Genome position (GRCh38, 1-based): chr21:45,509,416-45,509,417, CC replaced by TG. VCF-style: chr21-45509416-CC-TG. GRCh37 (hg19) VCF-style: chr21-46929330-CC-TG.
Other names: c.3841_3842delinsTG, p.Pro1281Trp (NM_030582.4); c.4546_4547delinsTG, p.Pro1516Trp (NM_130444.3); short protein forms P1104W, P1281W, P1516W.
Identifiers: ClinVar variation 1297030 (VCV001297030.1), dbSNP rs2146119886, ClinGen allele CA2499225986.
Genomic context (GRCh38, chr21:45,509,416, plus strand): 5'-GACAATGAAGTGGCCGCCTTGCAGCCCCCCGTGGTGCAGCTGCACGACAGCAACCCCTAC[CC>TG]GCGGCGGGAGCACCCCCACCCCACCGCGCGGCCCTGGCGGGCAGATGACATCCTGGCCAG-3'
Protein context (NP_001366429.1, residues 1094-1114): VVQLHDSNPY[Pro1104Trp]RREHPHPTAR

ClinVar aggregate classification (germline): Uncertain significance (1 of 4 stars; one submission).

Conditions:
Knobloch syndrome (KNO). Also called: Myopia retinal detachment encephalocele; RETINAL DETACHMENT AND OCCIPITAL ENCEPHALOCELE. Identifiers: Orphanet 1571, MedGen C1849409, MONDO:0800166.

Submission:

Institute of Human Genetics, University of Leipzig Medical Center
Classification: Uncertain significance for Knobloch syndrome 1. Last evaluated: 2021-08-26. Review status: criteria provided, single submitter. Criteria: ACMG Guidelines, 2015. Collection method: clinical testing. Allele origin: maternal. Affected: yes.
Comment: This variant was identified as compound heterozygous with NM_130444.3:c.4553G>A.